The following is an entry in ClinVar:

NM_001318852.2(MAPK8IP3):c.3623A>G (p.Tyr1208Cys)

Gene: MAPK8IP3 (mitogen-activated protein kinase 8 interacting protein 3; plus strand). Cytogenetic location: 16p13.3.
Variant type: single nucleotide variant.
Coding change: c.3623A>G on transcript NM_001318852.2 (MANE Select); coding-DNA position 3623, A replaced by G.
Protein change: p.Tyr1208Cys; replaces tyrosine 1208 with cysteine.
Molecular consequence: missense variant.
Genome position (GRCh38, 1-based): chr16:1,768,259, A>G. VCF-style: chr16-1768259-A-G. GRCh37 (hg19) VCF-style: chr16-1818260-A-G.
Other names: c.3602A>G, p.Tyr1201Cys (NM_001040439.2); c.3620A>G, p.Tyr1207Cys (NM_015133.5); short protein forms Y1201C, Y1207C, Y1208C.
Identifiers: ClinVar variation 1698522 (VCV001698522.1), dbSNP rs2042395600, ClinGen allele CA394239187.

ClinVar aggregate classification (germline): Uncertain significance (1 of 4 stars; one submission).

Allele frequency attached by ClinVar (database versions not stated): gnomAD 0.00001; TOPMed 0.00001.
gnomAD v4.1: 1 of 1,612,146 alleles (0.000062%); highest among the groups gnomAD compares: African/African-American, 0.0013%; no homozygotes.

Submission:

Women's Health and Genetics/Laboratory Corporation of America, LabCorp
Classification: Uncertain significance. Last evaluated: 2022-06-08. Review status: criteria provided, single submitter. Criteria: LabCorp Variant Classification Summary - May 2015. Collection method: clinical testing. Allele origin: germline.
Comment: Variant summary: MAPK8IP3 c.3620A>G (p.Tyr1207Cys) results in a non-conservative amino acid change in the encoded protein sequence. Four of five in-silico tools predict a damaging effect of the variant on protein function. The variant was absent in 247700 control chromosomes (gnomAD). The available data on variant occurrences in the general population are insufficient to allow any conclusion about variant significance. To our knowledge, no occurrence of c.3620A>G in individuals affected with Neurodevelopmental Disorder With Or Without Variable Brain Abnormalities; NEDBA and no experimental evidence demonstrating its impact on protein function have been reported. No clinical diagnostic laboratories have submitted clinical-significance assessments for this variant to ClinVar after 2014. Based on the evidence outlined above, the variant was classified as uncertain significance.